The following is an entry in ClinVar:

NM_001164665.2(KIAA1549):c.3450G>C (p.Gln1150His)

Gene: KIAA1549 (KIAA1549; minus strand). Cytogenetic location: 7q34.
Variant type: single nucleotide variant.
Coding change: c.3450G>C on transcript NM_001164665.2 (MANE Select); coding-DNA position 3450, G replaced by C.
Protein change: p.Gln1150His; replaces glutamine 1150 with histidine.
Molecular consequence: missense variant.
Genome position (GRCh38, 1-based): chr7:138,906,929, C>G on the plus strand (G>C on the coding strand, the complement: KIAA1549 is on the minus strand). VCF-style: chr7-138906929-C-G. GRCh37 (hg19) VCF-style: chr7-138591675-C-G.
Other names: c.3450G>C, p.Gln1150His (NM_020910.3); c.3450G>C (NM_001164665.1); short protein forms Q1150H.
Identifiers: ClinVar variation 1411486 (VCV001411486.9), dbSNP rs377434618, ClinGen allele CA4506217.
Genomic context (GRCh38, chr7:138,906,929, plus strand): 5'-AAAAATGCCCGCCATCACCTCCCCAGCATGTCCAAGAGGGCTGTACTCACGCTCTGCGAT[C>G]TGCAGCACTGGGTATCCCAGATAGAAACTGAACTCCACCACACTCAAGTTTCTGAGCAGC-3'
Protein context (NP_001158137.1, residues 1140-1160): FSFYLGYPVL[Gln1150His]IAEPFQYPQL

ClinVar aggregate classification (germline): Uncertain significance. Review status: criteria provided, multiple submitters, no conflicts (2 of 4 stars). 3 submissions from 3 submitters: Uncertain significance (3). Last evaluated 2025-01-13.

Conditions:
Inborn genetic diseases. Identifiers: MedGen C0950123, MeSH D030342.

Allele frequency attached by ClinVar (database versions not stated): ExAC 0.00001; gnomAD exomes 0.00001; TOPMed 0.00003; ESP Exome Variant Server 0.00008.
gnomAD v4.1: 32 of 1,599,490 alleles (0.002%); highest among the groups gnomAD compares: Non-Finnish European, 0.0023%; no homozygotes.

Submissions (3):

Labcorp Genetics (formerly Invitae), Labcorp
Classification: Uncertain significance. Last evaluated: 2025-01-13. Review status: criteria provided, single submitter. Criteria: Invitae Variant Classification Sherloc (09022015). Collection method: clinical testing. Allele origin: germline.
Comment: This sequence change replaces glutamine, which is neutral and polar, with histidine, which is basic and polar, at codon 1150 of the KIAA1549 protein (p.Gln1150His). This variant is present in population databases (rs377434618, gnomAD 0.003%). This variant has not been reported in the literature in individuals affected with KIAA1549-related conditions. ClinVar contains an entry for this variant (Variation ID: 1411486). An algorithm developed to predict the effect of missense changes on protein structure and function (PolyPhen-2) suggests that this variant is likely to be disruptive. In summary, the available evidence is currently insufficient to determine the role of this variant in disease. Therefore, it has been classified as a Variant of Uncertain Significance.

Ambry Genetics
Classification: Uncertain significance for Inborn genetic diseases. Last evaluated: 2024-12-17. Review status: criteria provided, single submitter. Criteria: Ambry Variant Classification Scheme 2023. Collection method: clinical testing. Allele origin: germline.

Blueprint Genetics
Classification: Uncertain significance. Last evaluated: 2024-05-14. Review status: criteria provided, single submitter. Criteria: ACMG Guidelines, 2015. Collection method: clinical testing. Allele origin: germline.